The following is an entry in ClinVar:

NM_000487.6(ARSA):c.1330dup (p.Leu444fs)

Gene: ARSA (arylsulfatase A; minus strand). Cytogenetic location: 22q13.33.
Variant type: Duplication.
Coding change: c.1330dup on transcript NM_000487.6 (MANE Select); coding-DNA position 1330, one base duplicated (C; older notation c.1330dupC).
Protein change: p.Leu444fs; shifts the reading frame from leucine 444.
Molecular consequence: frameshift variant.
Genome position (GRCh38, 1-based): chr22:50,625,345, G duplicated on the plus strand (C on the coding strand, the reverse complement: ARSA is on the minus strand). VCF-style (leftmost placement, unchanged base first): chr22-50625344-A-AG. GRCh37 (hg19) VCF-style: chr22-51063772-A-AG.
Other names: c.1330dup, p.Leu444fs (NM_001085425.3, NM_001085426.3, NM_001085427.3); c.1072dup, p.Leu358fs (NM_001085428.3, NM_001362782.2); short protein forms L444fs, L358fs.
Identifiers: ClinVar variation 2049000 (VCV002049000.4), dbSNP rs2518322020, ClinGen allele CA2580100048.

ClinVar aggregate classification (germline): Pathogenic (1 of 4 stars; one submission).

Conditions:
Metachromatic leukodystrophy (MLD). Also called: METACHROMATIC LEUKOENCEPHALOPATHY; SULFATIDE LIPIDOSIS; ARSA DEFICIENCY; CEREBROSIDE SULFATASE DEFICIENCY; Cerebral sclerosis diffuse metachromatic form; Arylsulfatase A Deficiency. Identifiers: Orphanet 512, MedGen C0023522, MONDO:0018868, OMIM 250100.

Submission:

Labcorp Genetics (formerly Invitae), Labcorp
Classification: Pathogenic for Metachromatic leukodystrophy. Last evaluated: 2021-12-31. Review status: criteria provided, single submitter. Criteria: Invitae Variant Classification Sherloc (09022015). Collection method: clinical testing. Allele origin: germline.
Comment: For these reasons, this variant has been classified as Pathogenic. This variant results in an extension of the ARSA protein. Other variant(s) that result in a similarly extended protein product (p.Arg498Profs*75) have been determined to be pathogenic (PMID: 19021637, 26462614). This suggests that these extensions are likely to be disease-causing. This variant has not been reported in the literature in individuals affected with ARSA-related conditions. This variant is not present in population databases (gnomAD no frequency). This sequence change results in a frameshift in the ARSA gene (p.Leu444Profs*129). While this is not anticipated to result in nonsense mediated decay, it is expected to disrupt the last 66 amino acid(s) of the ARSA protein and extend the protein by 62 additional amino acid residues.

Literature cited by the submitters: PubMed 19021637; PubMed 26462614.